The following is an entry in ClinVar:

NM_025074.7(FRAS1):c.4197del (p.Asp1399fs)

Gene: FRAS1 (Fraser extracellular matrix complex subunit 1; plus strand). Cytogenetic location: 4q21.21.
Variant type: Deletion.
Coding change: c.4197del on transcript NM_025074.7 (MANE Select); coding-DNA position 4197, one base deleted (T; older notation c.4197delT).
Protein change: p.Asp1399fs; shifts the reading frame from aspartic acid 1399.
Molecular consequence: frameshift variant.
Genome position (GRCh38, 1-based): chr4:78,407,730, T deleted. VCF-style (leftmost placement, unchanged base first): chr4-78407729-AT-A. GRCh37 (hg19) VCF-style: chr4-79328883-AT-A.
Other names: c.4197del, p.Asp1399fs (NM_001166133.2); short protein forms D1399fs.
Identifiers: ClinVar variation 1451666 (VCV001451666.6), dbSNP rs1560710220, ClinGen allele CA917233530.

ClinVar aggregate classification (germline): Pathogenic (1 of 4 stars; one submission).

Allele frequency attached by ClinVar (database versions not stated): gnomAD exomes below 0.00001 and 0.00001.

Submission:

Labcorp Genetics (formerly Invitae), Labcorp
Classification: Pathogenic. Last evaluated: 2021-09-21. Review status: criteria provided, single submitter. Criteria: Invitae Variant Classification Sherloc (09022015). Collection method: clinical testing. Allele origin: germline.
Comment: This variant has not been reported in the literature in individuals affected with FRAS1-related conditions. This variant is not present in population databases (ExAC no frequency). This sequence change creates a premature translational stop signal (p.Asp1399Glufs*76) in the FRAS1 gene. It is expected to result in an absent or disrupted protein product. Loss-of-function variants in FRAS1 are known to be pathogenic (PMID: 12766769, 18671281). For these reasons, this variant has been classified as Pathogenic.

Literature cited by the submitters: PubMed 12766769; PubMed 18671281.